The following is an entry in ClinVar:

NM_001278512.2(AP3B2):c.1852+4G>A

Genes: AP3B2 (adaptor related protein complex 3 subunit beta 2; minus strand), CPEB1-AS1 (CPEB1 antisense RNA 1; plus strand). Cytogenetic location: 15q25.2.
Variant type: single nucleotide variant.
Coding change: c.1852+4G>A on transcript NM_001278512.2 (MANE Select); 4 bases into the intron after coding-DNA position 1852, G replaced by A.
Molecular consequence: intron variant.
Genome position (GRCh38, 1-based): chr15:82,666,743, C>T on the plus strand (G>A on the coding strand, the complement: AP3B2 is on the minus strand). VCF-style: chr15-82666743-C-T. GRCh37 (hg19) VCF-style: chr15-83335495-C-T.
Other names: c.1756+4G>A (NM_001278511.2); c.1852+4G>A (NM_004644.5).
Identifiers: ClinVar variation 2081184 (VCV002081184.2), dbSNP rs568729693, ClinGen allele CA273484016.

ClinVar aggregate classification (germline): Conflicting classifications of pathogenicity. Review status: criteria provided, conflicting classifications (1 of 4 stars). 2 submissions from 2 submitters: Uncertain significance (1); Likely benign (1). Last evaluated 2022-10-06.

Allele frequency attached by ClinVar (database versions not stated): gnomAD exomes 0.00001; TOPMed 0.00001; gnomAD 0.00002; 1000 Genomes Project 30x 0.00016; 1000 Genomes Project 0.00020.
gnomAD v4.1: 20 of 1,612,554 alleles (0.0012%); highest among the groups gnomAD compares: African/African-American, 0.0053%; no homozygotes.

Submissions (2):

Blueprint Genetics
Classification: Likely benign. Last evaluated: 2022-10-06. Review status: criteria provided, single submitter. Criteria: ACMG Guidelines, 2015. Collection method: clinical testing. Allele origin: germline.

Labcorp Genetics (formerly Invitae), Labcorp
Classification: Uncertain significance. Last evaluated: 2022-05-25. Review status: criteria provided, single submitter. Criteria: Invitae Variant Classification Sherloc (09022015). Collection method: clinical testing. Allele origin: germline.
Comment: This sequence change falls in intron 15 of the AP3B2 gene. It does not directly change the encoded amino acid sequence of the AP3B2 protein. It affects a nucleotide within the consensus splice site. This variant is present in population databases (rs568729693, gnomAD 0.01%). This variant has not been reported in the literature in individuals affected with AP3B2-related conditions. Variants that disrupt the consensus splice site are a relatively common cause of aberrant splicing (PMID: 17576681, 9536098). Algorithms developed to predict the effect of sequence changes on RNA splicing suggest that this variant is not likely to affect RNA splicing. In summary, the available evidence is currently insufficient to determine the role of this variant in disease. Therefore, it has been classified as a Variant of Uncertain Significance.

Literature cited by the submitters: PubMed 17576681 (cited by Labcorp Genetics (formerly Invitae), Labcorp); PubMed 9536098 (cited by Labcorp Genetics (formerly Invitae), Labcorp).